The following is an entry in ClinVar:

NM_002299.4(LCT):c.5381C>T (p.Ala1794Val)

Gene: LCT (lactase; minus strand). Cytogenetic location: 2q21.3.
Variant type: single nucleotide variant.
Coding change: c.5381C>T on transcript NM_002299.4 (MANE Select); coding-DNA position 5381, C replaced by T.
Protein change: p.Ala1794Val; replaces alanine 1794 with valine.
Molecular consequence: missense variant.
Genome position (GRCh38, 1-based): chr2:135,789,753, G>A on the plus strand (C>T on the coding strand, the complement: LCT is on the minus strand). VCF-style: chr2-135789753-G-A. GRCh37 (hg19) VCF-style: chr2-136547323-G-A.
Other names: c.5381C>T (NM_002299.2); short protein forms A1794V.
Identifiers: ClinVar variation 1405609 (VCV001405609.5), dbSNP rs183725992, ClinGen allele CA1887620.

ClinVar aggregate classification (germline): Conflicting classifications of pathogenicity. Review status: criteria provided, conflicting classifications (1 of 4 stars). 2 submissions from 2 submitters: Uncertain significance (1); Likely benign (1). Last evaluated 2024-01-04.

Conditions:
Inborn genetic diseases. Identifiers: MedGen C0950123, MeSH D030342.

Allele frequency attached by ClinVar (database versions not stated): gnomAD exomes 0.00004 and 0.00010; gnomAD 0.00006 and 0.00007; ExAC 0.00008; TOPMed 0.00009; 1000 Genomes Project 0.00020; 1000 Genomes Project 30x 0.00031.
gnomAD v4.1: 72 of 1,614,124 alleles (0.0045%); highest among the groups gnomAD compares: Admixed American, 0.06%; no homozygotes.

Submissions (2):

Labcorp Genetics (formerly Invitae), Labcorp
Classification: Uncertain significance. Last evaluated: 2024-01-04. Review status: criteria provided, single submitter. Criteria: Invitae Variant Classification Sherloc (09022015). Collection method: clinical testing. Allele origin: germline.
Comment: This sequence change replaces alanine, which is neutral and non-polar, with valine, which is neutral and non-polar, at codon 1794 of the LCT protein (p.Ala1794Val). This variant is present in population databases (rs183725992, gnomAD 0.07%). This variant has not been reported in the literature in individuals affected with LCT-related conditions. ClinVar contains an entry for this variant (Variation ID: 1405609). Advanced modeling of protein sequence and biophysical properties (such as structural, functional, and spatial information, amino acid conservation, physicochemical variation, residue mobility, and thermodynamic stability) performed at Invitae indicates that this missense variant is not expected to disrupt LCT protein function with a negative predictive value of 80%. In summary, the available evidence is currently insufficient to determine the role of this variant in disease. Therefore, it has been classified as a Variant of Uncertain Significance.

Ambry Genetics
Classification: Likely benign for Inborn genetic diseases. Last evaluated: 2021-10-20. Review status: criteria provided, single submitter. Criteria: Ambry Variant Classification Scheme 2023. Collection method: clinical testing. Allele origin: germline.